The following is an entry in ClinVar:

ClinVar aggregate classification (germline): Benign/Likely benign. Review status: criteria provided, multiple submitters, no conflicts (2 of 4 stars). 2 submissions from 2 submitters: Benign (1); Likely benign (1). Last evaluated 2024-09-01.

Allele frequency attached by ClinVar (database versions not stated): gnomAD exomes 0.00037 and 0.00111; ExAC 0.00135; 1000 Genomes Project 30x 0.00359; 1000 Genomes Project 0.00379; gnomAD 0.00424 and 0.00462; TOPMed 0.00440; ESP Exome Variant Server 0.00469.
gnomAD v4.1: 1,211 of 1,613,736 alleles (0.075%); highest among the groups gnomAD compares: African/African-American, 1.4%; 12 homozygotes.

Submissions (2):

CeGaT Center for Human Genetics Tuebingen
Classification: Likely benign. Last evaluated: 2024-09-01. Review status: criteria provided, single submitter. Criteria: CeGaT Center For Human Genetics Tuebingen Variant Classification Criteria Version 2. Collection method: clinical testing. Allele origin: germline. Affected: yes. Observed: 1 variant allele.
Comment: LIPE: BS1

Labcorp Genetics (formerly Invitae), Labcorp
Classification: Benign. Last evaluated: 2019-12-31. Review status: criteria provided, single submitter. Criteria: Invitae Variant Classification Sherloc (09022015). Collection method: clinical testing. Allele origin: germline.

NM_005357.4(LIPE):c.1491A>T (p.Lys497Asn)

Genes: LIPE (lipase E, hormone sensitive type; minus strand), LIPE-AS1 (LIPE antisense RNA 1; plus strand), LOC101930071 (uncharacterized LOC101930071; plus strand). Cytogenetic location: 19q13.2.
Variant type: single nucleotide variant.
Coding change: c.1491A>T on transcript NM_005357.4 (MANE Select); coding-DNA position 1491, A replaced by T.
Protein change: p.Lys497Asn; replaces lysine 497 with asparagine.
Molecular consequence: missense variant.
Genome position (GRCh38, 1-based): chr19:42,408,251, T>A on the plus strand (A>T on the coding strand, the complement: LIPE is on the minus strand). VCF-style: chr19-42408251-T-A. GRCh37 (hg19) VCF-style: chr19-42912403-T-A.
Other names: short protein forms K497N.
Identifiers: ClinVar variation 708000 (VCV000708000.18), dbSNP rs35938529, ClinGen allele CA9477008.